The following is an entry in ClinVar:

NM_024503.5(HIVEP3):c.5328C>T (p.His1776=)

Gene: HIVEP3 (HIVEP zinc finger 3; minus strand). Cytogenetic location: 1p34.2.
Variant type: single nucleotide variant.
Coding change: c.5328C>T on transcript NM_024503.5 (MANE Select); coding-DNA position 5328, C replaced by T.
Protein change: p.His1776=; no amino-acid change (histidine 1776 retained).
Molecular consequence: synonymous variant.
Genome position (GRCh38, 1-based): chr1:41,524,790, G>A on the plus strand (C>T on the coding strand, the complement: HIVEP3 is on the minus strand). VCF-style: chr1-41524790-G-A. GRCh37 (hg19) VCF-style: chr1-41990461-G-A.
Other names: c.5328C>T, p.His1776= (NM_001127714.3).
Identifiers: ClinVar variation 3056793 (VCV003056793.2), dbSNP rs35122733, ClinGen allele CA797499.

ClinVar aggregate classification (germline): Benign (0 of 4 stars; one submission).

Conditions:
HIVEP3-related disorder. Also called: HIVEP3-related condition.

Allele frequency attached by ClinVar (database versions not stated): gnomAD 0.04460; ESP Exome Variant Server 0.04567; TOPMed 0.04612; 1000 Genomes Project 0.04872; 1000 Genomes Project 30x 0.04981; ExAC 0.05133.
gnomAD v4.1: 83,784 of 1,614,094 alleles (5.2%); highest among the groups gnomAD compares: Middle Eastern, 11%; 2,552 homozygotes.

Submission:

PreventionGenetics, part of Exact Sciences
Classification: Benign for HIVEP3-related condition. Last evaluated: 2019-11-19. Review status: no assertion criteria provided. Collection method: clinical testing. Allele origin: germline.
Comment: This variant is classified as benign based on ACMG/AMP sequence variant interpretation guidelines (Richards et al. 2015 PMID: 25741868, with internal and published modifications).